The following is an entry in ClinVar:

NM_004304.5(ALK):c.3684C>A (p.His1228Gln)

Gene: ALK (ALK receptor tyrosine kinase; minus strand). Cytogenetic location: 2p23.2.
Variant type: single nucleotide variant.
Coding change: c.3684C>A on transcript NM_004304.5 (MANE Select); coding-DNA position 3684, C replaced by A.
Protein change: p.His1228Gln; replaces histidine 1228 with glutamine.
Molecular consequence: missense variant.
Genome position (GRCh38, 1-based): chr2:29,214,043, G>T on the plus strand (C>A on the coding strand, the complement: ALK is on the minus strand). VCF-style: chr2-29214043-G-T. GRCh37 (hg19) VCF-style: chr2-29436909-G-T.
Other names: c.480C>A, p.His160Gln (NM_001353765.2); short protein forms H1228Q, H160Q.
Identifiers: ClinVar variation 2829808 (VCV002829808.3), dbSNP rs763332339, ClinGen allele CA346471497.

ClinVar aggregate classification (germline): Uncertain significance (1 of 4 stars; one submission).

Conditions:
Neuroblastoma, susceptibility to, 3. Also called: ALK-Related Neuroblastic Tumor Susceptibility. Identifiers: Orphanet 635, MedGen C2751681, MONDO:0013083, OMIM 613014.

Submission:

Labcorp Genetics (formerly Invitae), Labcorp
Classification: Uncertain significance for Neuroblastoma, susceptibility to, 3. Last evaluated: 2023-01-18. Review status: criteria provided, single submitter. Criteria: Invitae Variant Classification Sherloc (09022015). Collection method: clinical testing. Allele origin: germline.
Comment: This variant is not present in population databases (gnomAD no frequency). This sequence change replaces histidine, which is basic and polar, with glutamine, which is neutral and polar, at codon 1228 of the ALK protein (p.His1228Gln). This variant has not been reported in the literature in individuals affected with ALK-related conditions. In summary, the available evidence is currently insufficient to determine the role of this variant in disease. Therefore, it has been classified as a Variant of Uncertain Significance. Algorithms developed to predict the effect of missense changes on protein structure and function are either unavailable or do not agree on the potential impact of this missense change (SIFT: "Deleterious"; PolyPhen-2: "Possibly Damaging"; Align-GVGD: "Class C0").